The following is an entry in ClinVar:

ClinVar aggregate classification (germline): Conflicting classifications of pathogenicity. Review status: criteria provided, conflicting classifications (1 of 4 stars). 3 submissions from 3 submitters: Uncertain significance (2); Benign (1). Last evaluated 2025-08-04.

Conditions:
Inborn genetic diseases. Identifiers: MedGen C0950123, MeSH D030342.

Allele frequency attached by ClinVar (database versions not stated): ExAC 0.00002; gnomAD exomes 0.00002; ESP Exome Variant Server 0.00008.
gnomAD v4.1: 27 of 1,600,840 alleles (0.0017%); highest among the groups gnomAD compares: African/African-American, 0.036%; no homozygotes.

Submissions (3):

Ambry Genetics
Classification: Uncertain significance for Inborn genetic diseases. Last evaluated: 2025-08-04. Review status: criteria provided, single submitter. Criteria: Ambry Variant Classification Scheme 2023. Collection method: clinical testing. Allele origin: germline.

Labcorp Genetics (formerly Invitae), Labcorp
Classification: Benign. Last evaluated: 2025-06-23. Review status: criteria provided, single submitter. Criteria: Invitae Variant Classification Sherloc (09022015). Collection method: clinical testing. Allele origin: germline.

GeneDx
Classification: Uncertain significance. Last evaluated: 2024-11-01. Review status: criteria provided, single submitter. Criteria: GeneDx Variant Classification Process June 2021. Collection method: clinical testing. Allele origin: germline. Affected: yes.
Comment: Not observed at significant frequency in large population cohorts (gnomAD); In silico analysis supports that this missense variant has a deleterious effect on protein structure/function; Has not been previously published as pathogenic or benign to our knowledge

NM_080680.3(COL11A2):c.3329C>G (p.Pro1110Arg)

Gene: COL11A2 (collagen type XI alpha 2 chain; minus strand). Cytogenetic location: 6p21.32.
Variant type: single nucleotide variant.
Coding change: c.3329C>G on transcript NM_080680.3 (MANE Select); coding-DNA position 3329, C replaced by G.
Protein change: p.Pro1110Arg; replaces proline 1110 with arginine.
Molecular consequence: missense variant.
Genome position (GRCh38, 1-based): chr6:33,171,151, G>C on the plus strand (C>G on the coding strand, the complement: COL11A2 is on the minus strand). VCF-style: chr6-33171151-G-C. GRCh37 (hg19) VCF-style: chr6-33138928-G-C.
Other names: c.3329C>G (NM_080680.2); c.3008C>G, p.Pro1003Arg (NM_080679.3); c.3071C>G, p.Pro1024Arg (NM_080681.3); short protein forms P1110R, P1003R, P1024R.
Identifiers: ClinVar variation 1480164 (VCV001480164.8), dbSNP rs377242569, ClinGen allele CA3750550.
Genomic context (GRCh38, chr6:33,171,151, plus strand): 5'-GTGGGGGTGGAGGGGTCACTCACCGCTGCTCCAGGCTGCCCCACAGGACCAATGGGTCCA[G>C]GGGGTCCAGGAGGGCCCTGGGTAAGAGAAGAGAGTCAGAGACACCAAAACAGGGAGAGAG-3'
Protein context (NP_542411.2, residues 1100-1120): NKGEHGPPGP[Pro1110Arg]GPIGPVGQPG